The following is an entry in ClinVar:

NM_020911.2(PLXNA4):c.5199C>T (p.His1733=)

Gene: PLXNA4 (plexin A4; minus strand). Cytogenetic location: 7q32.3.
Variant type: single nucleotide variant.
Coding change: c.5199C>T on transcript NM_020911.2 (MANE Select); coding-DNA position 5199, C replaced by T.
Protein change: p.His1733=; no amino-acid change (histidine 1733 retained).
Molecular consequence: synonymous variant.
Genome position (GRCh38, 1-based): chr7:132,145,145, G>A on the plus strand (C>T on the coding strand, the complement: PLXNA4 is on the minus strand). VCF-style: chr7-132145145-G-A. GRCh37 (hg19) VCF-style: chr7-131829904-G-A.
Other names: c.5199C>T, p.His1733= (NM_001393897.1).
Identifiers: ClinVar variation 3049098 (VCV003049098.2), dbSNP rs180898561, ClinGen allele CA4488973.

ClinVar aggregate classification (germline): Likely benign (0 of 4 stars; one submission).

Conditions:
PLXNA4-related disorder. Also called: PLXNA4-related condition.

Allele frequency attached by ClinVar (database versions not stated): gnomAD exomes 0.00003; ExAC 0.00011; gnomAD 0.00011; TOPMed 0.00015; 1000 Genomes Project 0.00020; 1000 Genomes Project 30x 0.00031.
gnomAD v4.1: 61 of 1,614,128 alleles (0.0038%); highest among the groups gnomAD compares: East Asian, 0.049%; no homozygotes.

Submission:

PreventionGenetics, part of Exact Sciences
Classification: Likely benign for PLXNA4-related condition. Last evaluated: 2023-11-07. Review status: no assertion criteria provided. Collection method: clinical testing. Allele origin: germline.
Comment: This variant is classified as likely benign based on ACMG/AMP sequence variant interpretation guidelines (Richards et al. 2015 PMID: 25741868, with internal and published modifications).